The following is an entry in ClinVar:

NM_000742.4(CHRNA2):c.1563_1564delinsCT (p.Pro522Ser)

Gene: CHRNA2 (cholinergic receptor nicotinic alpha 2 subunit; minus strand). Cytogenetic location: 8p21.2.
Variant type: Indel.
Coding change: c.1563_1564delinsCT on transcript NM_000742.4 (MANE Select); coding-DNA positions 1563 to 1564, GC replaced by CT.
Protein change: p.Pro522Ser; replaces proline 522 with serine.
Molecular consequence: missense variant.
Genome position (GRCh38, 1-based): chr8:27,461,655-27,461,656, GC replaced by AG on the plus strand (GC replaced by CT on the coding strand, the reverse complement: CHRNA2 is on the minus strand). VCF-style: chr8-27461655-GC-AG. GRCh37 (hg19) VCF-style: chr8-27319172-GC-AG.
Other names: c.1518_1519delinsCT, p.Pro507Ser (NM_001282455.2); c.1086_1087delinsCT, p.Pro363Ser (NM_001347705.2, NM_001347706.2); c.969_970delinsCT, p.Pro324Ser (NM_001347707.2, NM_001347708.2); short protein forms P324S, P363S, P507S, P522S.
Identifiers: ClinVar variation 1057502 (VCV001057502.3), dbSNP rs2132646191, ClinGen allele CA2499219210.
Genomic context (GRCh38, chr8:27,461,655, plus strand): 5'-GGGTGCCCTGGGAGCCAGCTCGAGGGAGGTGCAGTCAGATCATTCCAGCTAGGAACGGAG[GC>AG]AGAAAGAGGCCGATGGTCCCCAGGAAGCAGACGATGATAAACAGCCAGAGGAAGATCCTG-3'
Protein context (NP_000733.2, residues 512-529): CFLGTIGLFL[Pro522Ser]PFLAGMI

ClinVar aggregate classification (germline): Uncertain significance (1 of 4 stars; one submission).

Conditions:
Familial sleep-related hypermotor epilepsy. Also called: Autosomal Dominant Sleep-Related Hypermotor (Hyperkinetic) Epilepsy. Identifiers: Orphanet 98784, MedGen C3696898, MONDO:0000030.

Submission:

Labcorp Genetics (formerly Invitae), Labcorp
Classification: Uncertain significance. Last evaluated: 2020-08-14. Review status: criteria provided, single submitter. Criteria: Invitae Variant Classification Sherloc (09022015). Collection method: clinical testing. Allele origin: germline.
Comment: In summary, the available evidence is currently insufficient to determine the role of this variant in disease. Therefore, it has been classified as a Variant of Uncertain Significance. Experimental studies and prediction algorithms are not available or were not evaluated, and the functional significance of this variant is currently unknown. This variant has not been reported in the literature in individuals with CHRNA2-related conditions. The frequency data for this variant in the population databases is not available, as this variant may be reported as separate entries in the ExAC database. This sequence change replaces proline with serine at codon 522 of the CHRNA2 protein (p.Pro522Ser). The proline residue is highly conserved and there is a moderate physicochemical difference between proline and serine.